The following is an entry in ClinVar:

NM_025114.4(CEP290):c.6136-19T>G

Gene: CEP290 (centrosomal protein 290; minus strand). Cytogenetic location: 12q21.32.
Variant type: single nucleotide variant.
Coding change: c.6136-19T>G on transcript NM_025114.4 (MANE Select); 19 bases into the intron before coding-DNA position 6136, T replaced by G.
Molecular consequence: intron variant.
Genome position (GRCh38, 1-based): chr12:88,064,134, A>C on the plus strand (T>G on the coding strand, the complement: CEP290 is on the minus strand). VCF-style: chr12-88064134-A-C. GRCh37 (hg19) VCF-style: chr12-88457911-A-C.
Identifiers: ClinVar variation 261850 (VCV000261850.13), dbSNP rs377613416, ClinGen allele CA6711556.
Genomic context (GRCh38, chr12:88,064,134, plus strand): 5'-CTGTTCTCTCTGACAATGATCATCTGACTCTATTCCTGAAATCTTCAGGGAAATGAAATT[A>C]GGAATATTTTTAAAGTTTAATAAATAAAAGCCATAAAAGACATACTGGATAAGAAAATAC-3'

ClinVar aggregate classification (germline): Likely benign. Review status: criteria provided, multiple submitters, no conflicts (2 of 4 stars). 4 submissions from 4 submitters: Likely benign (4). Last evaluated 2026-01-18.

Conditions:
Joubert syndrome. Also called: Familial aplasia of the vermis; JOUBERT-BOLTSHAUSER SYNDROME. Identifiers: Orphanet 475, MedGen C5979921, MONDO:0018772.
Nephronophthisis. Also called: Juvenile Nephronophthisis. Identifiers: Orphanet 655, MedGen C0687120, MONDO:0019005, HP:0000090.
Meckel-Gruber syndrome. Also called: DYSENCEPHALIA SPLANCHNOCYSTICA; Dysencephalia splachnocystica; GRUBER SYNDROME. Identifiers: Orphanet 564, MedGen C0265215, MONDO:0018921.

Allele frequency attached by ClinVar (database versions not stated): ExAC 0.00042; gnomAD exomes 0.00042 and 0.00083; gnomAD 0.00048 and 0.00050; ESP Exome Variant Server 0.00052; TOPMed 0.00054.
gnomAD v4.1: 1,187 of 1,520,118 alleles (0.078%); highest among the groups gnomAD compares: Non-Finnish European, 0.097%; 2 homozygotes.

Submissions (5):

Labcorp Genetics (formerly Invitae), Labcorp
Classification: Likely benign for Joubert syndrome; Meckel-Gruber syndrome; Nephronophthisis. Last evaluated: 2026-01-18. Review status: criteria provided, single submitter. Criteria: Invitae Variant Classification Sherloc (09022015). Collection method: clinical testing. Allele origin: germline.

Blueprint Genetics
Classification: Likely benign. Last evaluated: 2024-10-30. Review status: criteria provided, single submitter. Criteria: ACMG Guidelines, 2015. Collection method: clinical testing. Allele origin: germline.

GeneDx
Classification: Likely benign. Last evaluated: 2016-09-14. Review status: criteria provided, single submitter. Criteria: GeneDx Variant Classification (06012015). Collection method: clinical testing. Allele origin: germline. Affected: yes.
Comment: This variant is considered likely benign or benign based on one or more of the following criteria: it is a conservative change, it occurs at a poorly conserved position in the protein, it is predicted to be benign by multiple in silico algorithms, and/or has population frequency not consistent with disease.

PreventionGenetics, part of Exact Sciences
Classification: Likely benign. Review status: criteria provided, single submitter. Criteria: ACMG Guidelines, 2015. Collection method: clinical testing. Allele origin: germline.

Dr. Peter K. Rogan Lab, Western University
No classification provided (evidence only). Condition: Malignant tumor of esophagus. Review status: no classification provided. Collection method: in vitro. Allele origin: not applicable. Functional consequence: retained intron. Not counted in ClinVar's aggregate classification.